The following is an entry in ClinVar:

ClinVar aggregate classification (germline): Uncertain significance (1 of 4 stars; one submission).

Conditions:
Bethlem myopathy 1A. Also called: Bethlem myopathy 1; MYOPATHY, BENIGN CONGENITAL, WITH CONTRACTURES; Bethlem Muscular Dystrophy. Identifiers: Orphanet 610, MedGen CN029274, MONDO:0024530, OMIM 158810.

Submission:

Labcorp Genetics (formerly Invitae), Labcorp
Classification: Uncertain significance for Bethlem myopathy 1A. Last evaluated: 2022-12-05. Review status: criteria provided, single submitter. Criteria: Invitae Variant Classification Sherloc (09022015). Collection method: clinical testing. Allele origin: germline.
Comment: In summary, the available evidence is currently insufficient to determine the role of this variant in disease. Therefore, it has been classified as a Variant of Uncertain Significance. Advanced modeling of protein sequence and biophysical properties (such as structural, functional, and spatial information, amino acid conservation, physicochemical variation, residue mobility, and thermodynamic stability) performed at Invitae indicates that this missense variant is not expected to disrupt COL6A1 protein function. This variant has not been reported in the literature in individuals affected with COL6A1-related conditions. This variant is not present in population databases (gnomAD no frequency). This sequence change replaces lysine, which is basic and polar, with asparagine, which is neutral and polar, at codon 134 of the COL6A1 protein (p.Lys134Asn).

NM_001848.3(COL6A1):c.402G>C (p.Lys134Asn)

Gene: COL6A1 (collagen type VI alpha 1 chain; plus strand). Cytogenetic location: 21q22.3.
Variant type: single nucleotide variant.
Coding change: c.402G>C on transcript NM_001848.3 (MANE Select); coding-DNA position 402, G replaced by C.
Protein change: p.Lys134Asn; replaces lysine 134 with asparagine.
Molecular consequence: missense variant.
Genome position (GRCh38, 1-based): chr21:45,984,443, G>C. VCF-style: chr21-45984443-G-C. GRCh37 (hg19) VCF-style: chr21-47404357-G-C.
Other names: short protein forms K134N.
Identifiers: ClinVar variation 2801818 (VCV002801818.3), dbSNP rs2526310875, ClinGen allele CA410516347.